The following is an entry in ClinVar:

ClinVar aggregate classification (germline): Uncertain significance (1 of 4 stars; one submission).

Submission:

Labcorp Genetics (formerly Invitae), Labcorp
Classification: Uncertain significance. Last evaluated: 2024-11-26. Review status: criteria provided, single submitter. Criteria: Invitae Variant Classification Sherloc (09022015). Collection method: clinical testing. Allele origin: germline.
Comment: This sequence change replaces phenylalanine, which is neutral and non-polar, with tyrosine, which is neutral and polar, at codon 421 of the LZTR1 protein (p.Phe421Tyr). This variant is not present in population databases (gnomAD no frequency). This variant has not been reported in the literature in individuals affected with LZTR1-related conditions. An algorithm developed to predict the effect of missense changes on protein structure and function (PolyPhen-2) suggests that this variant is likely to be tolerated. In summary, the available evidence is currently insufficient to determine the role of this variant in disease. Therefore, it has been classified as a Variant of Uncertain Significance.

NM_006767.4(LZTR1):c.1262T>A (p.Phe421Tyr)

Gene: LZTR1 (leucine zipper like post translational regulator 1; plus strand). Cytogenetic location: 22q11.21.
Variant type: single nucleotide variant.
Coding change: c.1262T>A on transcript NM_006767.4 (MANE Select); coding-DNA position 1262, T replaced by A.
Protein change: p.Phe421Tyr; replaces phenylalanine 421 with tyrosine.
Molecular consequence: missense variant.
Genome position (GRCh38, 1-based): chr22:20,993,663, T>A. VCF-style: chr22-20993663-T-A. GRCh37 (hg19) VCF-style: chr22-21347952-T-A.
Other names: short protein forms F421Y.
Identifiers: ClinVar variation 3657704 (VCV003657704.2).
Genomic context (GRCh38, chr22:20,993,663, plus strand): 5'-GCCACACTGGGGCCACCCTGCTGTCTGCAACATCTAGTCTCACTGGGCCCCTCTTGCAGT[T>A]CTCCTGTTACCCTAAATGCACGCTGCACGAGGACTACGGGCGGCTGTGGGAGAGCCGCCA-3'
Protein context (NP_006758.2, residues 411-431): IRSGEMYRFQ[Phe421Tyr]SCYPKCTLHE